The following is an entry in ClinVar:

ClinVar aggregate classification (germline): Uncertain significance (1 of 4 stars; one submission).

gnomAD v4.1: 12 of 1,366,124 alleles (0.00088%); highest among the groups gnomAD compares: South Asian, 0.0019%; no homozygotes.

Submission:

GeneDx
Classification: Uncertain significance. Last evaluated: 2014-08-06. Review status: criteria provided, single submitter. Criteria: GeneDx Variant Classification (06012015). Collection method: clinical testing. Allele origin: germline. Affected: yes.
Comment: p.Ser1111Ile (AGC>ATC): c.3332 G>T in exon 14 of the GRIN2A gene (NM_000833.3). The S1111I variant has not been published as a mutation, nor has it been reported as a benign polymorphism to our knowledge. It was not observed in approximately 6,500 individuals of European and African American ancestry in the NHLBI Exome Sequencing Project, indicating it is not a common benign variant in these populations. The S1111I variant is a non-conservative amino acid substitution, which is likely to impact secondary protein structure as these residues differ in polarity, charge, size and/or other properties. This substitution occurs at a position that is conserved in mammals. However, in silico analysis is inconsistent in its predictions as to whether or not the S1111I variant is damaging to the protein structure/function, and other missense mutations in nearby residues have not been reported in association with epilepsy. Therefore, based on the currently available information, it is unclear whether this variant is a pathogenic mutation or a rare benign variant. The variant is found in EPILEPSY panel(s).

NM_001134407.3(GRIN2A):c.3332G>T (p.Ser1111Ile)

Gene: GRIN2A (glutamate ionotropic receptor NMDA type subunit 2A; minus strand). Cytogenetic location: 16p13.2.
Variant type: single nucleotide variant.
Coding change: c.3332G>T on transcript NM_001134407.3 (MANE Select); coding-DNA position 3332, G replaced by T.
Protein change: p.Ser1111Ile; replaces serine 1111 with isoleucine.
Molecular consequence: missense variant.
Genome position (GRCh38, 1-based): chr16:9,764,212, C>A on the plus strand (G>T on the coding strand, the complement: GRIN2A is on the minus strand). VCF-style: chr16-9764212-C-A. GRCh37 (hg19) VCF-style: chr16-9858069-C-A.
Other names: p.S1111I:AGC>ATC; c.3332G>T, p.Ser1111Ile (NM_000833.5, NM_001134408.2); short protein forms S1111I.
Identifiers: ClinVar variation 205669 (VCV000205669.2), dbSNP rs796052555, ClinGen allele CA314970.